The following is an entry in ClinVar:

NM_001008537.3(NEXMIF):c.1373A>G (p.Asp458Gly)

Gene: NEXMIF (neurite extension and migration factor; minus strand). Cytogenetic location: Xq13.3.
Variant type: single nucleotide variant.
Coding change: c.1373A>G on transcript NM_001008537.3 (MANE Select); coding-DNA position 1373, A replaced by G.
Protein change: p.Asp458Gly; replaces aspartic acid 458 with glycine.
Molecular consequence: missense variant.
Genome position (GRCh38, 1-based): chrX:74,743,184, T>C on the plus strand (A>G on the coding strand, the complement: NEXMIF is on the minus strand). VCF-style: chrX-74743184-T-C. GRCh37 (hg19) VCF-style: chrX-73963019-T-C.
Other names: short protein forms D458G.
Identifiers: ClinVar variation 1308755 (VCV001308755.2), dbSNP rs1169451214, ClinGen allele CA413670652.

ClinVar aggregate classification (germline): Uncertain significance (1 of 4 stars; one submission).

Submission:

GeneDx
Classification: Uncertain significance. Last evaluated: 2020-01-15. Review status: criteria provided, single submitter. Criteria: GeneDx Variant Classification Process June 2021. Collection method: clinical testing. Allele origin: germline. Affected: yes.
Comment: Not observed in large population cohorts (Lek et al., 2016); In silico analysis, which includes protein predictors and evolutionary conservation, supports a deleterious effect; Has not been previously published as pathogenic or benign to our knowledge